The following is an entry in ClinVar:

NM_139119.3(YY1AP1):c.324+7C>T

Gene: YY1AP1 (YY1 associated protein 1; minus strand). Cytogenetic location: 1q22.
Variant type: single nucleotide variant.
Coding change: c.324+7C>T on transcript NM_139119.3 (MANE Select); 7 bases into the intron after coding-DNA position 324, C replaced by T.
Molecular consequence: intron variant.
Genome position (GRCh38, 1-based): chr1:155,676,541, G>A on the plus strand (C>T on the coding strand, the complement: YY1AP1 is on the minus strand). VCF-style: chr1-155676541-G-A. GRCh37 (hg19) VCF-style: chr1-155646332-G-A.
Other names: c.738+7C>T (NM_001198904.1, NM_001198903.1); c.324+7C>T (NM_001198901.2, NM_001198902.2, NM_001198905.2); c.126+7C>T (NM_139121.3); c.522+7C>T (NM_139118.3, NM_001198906.2); c.291+7C>T (NM_001198900.2, NM_018253.4, NM_001198899.2).
Identifiers: ClinVar variation 719314 (VCV000719314.21), dbSNP rs201603249, ClinGen allele CA1148848.

ClinVar aggregate classification (germline): Likely benign. Review status: criteria provided, multiple submitters, no conflicts (2 of 4 stars). 3 submissions from 3 submitters: Likely benign (3). Last evaluated 2026-05-01.

Allele frequency attached by ClinVar (database versions not stated): 1000 Genomes Project 0.00040; 1000 Genomes Project 30x 0.00047; TOPMed 0.00119; gnomAD 0.00127 and 0.00136; gnomAD exomes 0.00135 and 0.00179; ExAC 0.00147; ESP Exome Variant Server 0.00192.
gnomAD v4.1: 2,778 of 1,614,046 alleles (0.17%); highest among the groups gnomAD compares: Middle Eastern, 0.38%; 4 homozygotes.

Submissions (3):

CeGaT Center for Human Genetics Tuebingen
Classification: Likely benign. Last evaluated: 2026-05-01. Review status: criteria provided, single submitter. Criteria: CeGaT Center For Human Genetics Tuebingen Variant Classification Criteria Version 2. Collection method: clinical testing. Allele origin: germline. Affected: yes. Observed: 2 variant alleles.
Comment: YY1AP1: BP4

Blueprint Genetics
Classification: Likely benign. Last evaluated: 2024-09-20. Review status: criteria provided, single submitter. Criteria: ACMG Guidelines, 2015. Collection method: clinical testing. Allele origin: germline.

Labcorp Genetics (formerly Invitae), Labcorp
Classification: Likely benign. Last evaluated: 2019-12-31. Review status: criteria provided, single submitter. Criteria: Invitae Variant Classification Sherloc (09022015). Collection method: clinical testing. Allele origin: germline.